The following is an entry in ClinVar:

NM_001379500.1(COL18A1):c.2669_2670insT (p.Gly892fs)

Gene: COL18A1 (collagen type XVIII alpha 1 chain; plus strand). Cytogenetic location: 21q22.3.
Variant type: Insertion.
Coding change: c.2669_2670insT on transcript NM_001379500.1 (MANE Select); coding-DNA positions 2669 to 2670, T inserted.
Protein change: p.Gly892fs; shifts the reading frame from glycine 892.
Molecular consequence: frameshift variant.
Genome position: GRCh38 VCF-style: chr21-45497647-C-CT. GRCh37 (hg19) VCF-style: chr21-46917561-C-CT.
Other names: c.3209_3210insT, p.Gly1072fs (NM_030582.4); c.3914_3915insT, p.Gly1307fs (NM_130444.3); short protein forms G1072fs, G1307fs, G892fs.
Identifiers: ClinVar variation 1432778 (VCV001432778.8), dbSNP rs2146015551, ClinGen allele CA2573157588.

ClinVar aggregate classification (germline): Pathogenic (1 of 4 stars; one submission).

Allele frequency attached by ClinVar (database versions not stated): gnomAD exomes below 0.00001.

Submission:

Labcorp Genetics (formerly Invitae), Labcorp
Classification: Pathogenic. Last evaluated: 2021-02-07. Review status: criteria provided, single submitter. Criteria: Invitae Variant Classification Sherloc (09022015). Collection method: clinical testing. Allele origin: germline.
Comment: This sequence change creates a premature translational stop signal (p.Gly892Argfs*9) in the COL18A1 gene. It is expected to result in an absent or disrupted protein product. Loss-of-function variants in COL18A1 are known to be pathogenic (PMID: 12415512, 25456301). This variant is not present in population databases (ExAC no frequency). This frameshift has been observed in individual(s) with Knobloch syndrome (PMID: 19390655, 23667181). For these reasons, this variant has been classified as Pathogenic.

Literature cited by the submitters: PubMed 12415512; PubMed 25456301; PubMed 19390655; PubMed 23667181.